The following is an entry in ClinVar:

ClinVar aggregate classification (germline): Uncertain significance. Review status: criteria provided, multiple submitters, no conflicts (2 of 4 stars). 2 submissions from 2 submitters: Uncertain significance (2). Last evaluated 2025-11-24.

Conditions:
Inborn genetic diseases. Identifiers: MedGen C0950123, MeSH D030342.

Allele frequency attached by ClinVar (database versions not stated): gnomAD 0.00001; TOPMed 0.00001; gnomAD exomes 0.00002.
gnomAD v4.1: 22 of 1,136,992 alleles (0.0019%); highest among the groups gnomAD compares: Non-Finnish European, 0.0027%; no homozygotes.

Submissions (2):

Ambry Genetics
Classification: Uncertain significance for Inborn genetic diseases. Last evaluated: 2025-11-24. Review status: criteria provided, single submitter. Criteria: Ambry Variant Classification Scheme 2023. Collection method: clinical testing. Allele origin: germline.

Labcorp Genetics (formerly Invitae), Labcorp
Classification: Uncertain significance. Last evaluated: 2023-09-17. Review status: criteria provided, single submitter. Criteria: Invitae Variant Classification Sherloc (09022015). Collection method: clinical testing. Allele origin: germline.
Comment: In summary, the available evidence is currently insufficient to determine the role of this variant in disease. Therefore, it has been classified as a Variant of Uncertain Significance. An algorithm developed to predict the effect of missense changes on protein structure and function (PolyPhen-2) suggests that this variant is likely to be tolerated. This variant has not been reported in the literature in individuals affected with PDE10A-related conditions. This variant is present in population databases (rs762162747, gnomAD 0.006%). This sequence change replaces cysteine, which is neutral and slightly polar, with glycine, which is neutral and non-polar, at codon 18 of the PDE10A protein (p.Cys18Gly).

NM_001385079.1(PDE10A):c.850T>G (p.Cys284Gly)

Gene: PDE10A (phosphodiesterase 10A; minus strand). Cytogenetic location: 6q27.
Variant type: single nucleotide variant.
Coding change: c.850T>G on transcript NM_001385079.1 (MANE Select); coding-DNA position 850, T replaced by G.
Protein change: p.Cys284Gly; replaces cysteine 284 with glycine.
Molecular consequence: missense variant. On other transcripts: 5 prime UTR variant (1).
Genome position (GRCh38, 1-based): chr6:165,661,962, A>C on the plus strand (T>G on the coding strand, the complement: PDE10A is on the minus strand). VCF-style: chr6-165661962-A-C. GRCh37 (hg19) VCF-style: chr6-166075450-A-C.
Other names: c.52T>G, p.Cys18Gly (NM_001130690.3); c.-107T>G (NM_006661.4); c.52T>G (NM_001130690.1); short protein forms C18G, C284G.
Identifiers: ClinVar variation 2989733 (VCV002989733.4), dbSNP rs762162747, ClinGen allele CA4092668.